The following is an entry in ClinVar:

NM_001349884.2(DRAM2):c.518-1G>A

Gene: DRAM2 (DNA damage regulated autophagy modulator 2; minus strand). Cytogenetic location: 1p13.3.
Variant type: single nucleotide variant.
Coding change: c.518-1G>A on transcript NM_001349884.2 (MANE Select); the canonical splice acceptor site of the intron before coding-DNA position 518, G replaced by A.
Molecular consequence: splice acceptor variant.
Genome position (GRCh38, 1-based): chr1:111,119,960, C>T on the plus strand (G>A on the coding strand, the complement: DRAM2 is on the minus strand). VCF-style: chr1-111119960-C-T. GRCh37 (hg19) VCF-style: chr1-111662582-C-T.
Other names: c.518-1G>A (NM_001349885.2, NM_178454.6, NM_001349882.2 and 1 more transcripts); c.128-1G>A (NM_001349889.2, NM_001349890.2, NM_001349891.2 and 2 more transcripts); c.248-1G>A (NM_001349887.2, NM_001349886.2, NM_001349888.2).
Identifiers: ClinVar variation 3718574 (VCV003718574.3).

ClinVar aggregate classification (germline): Likely pathogenic. Review status: criteria provided, multiple submitters, no conflicts (2 of 4 stars). 2 submissions from 2 submitters: Likely pathogenic (2). Last evaluated 2024-06-24.

Conditions:
DRAM2-related disorder. Also called: DRAM2-related condition.

gnomAD v4.1: 9 of 1,611,692 alleles (0.00056%); highest among the groups gnomAD compares: African/African-American, 0.0013%; no homozygotes.

Submissions (2):

Labcorp Genetics (formerly Invitae), Labcorp
Classification: Likely pathogenic. Last evaluated: 2024-06-24. Review status: criteria provided, single submitter. Criteria: Invitae Variant Classification Sherloc (09022015). Collection method: clinical testing. Allele origin: germline.
Comment: This sequence change affects an acceptor splice site in intron 6 of the DRAM2 gene. It is expected to disrupt RNA splicing. Variants that disrupt the donor or acceptor splice site typically lead to a loss of protein function (PMID: 16199547), and loss-of-function variants in DRAM2 are known to be pathogenic (PMID: 25983245). This variant is present in population databases (no rsID available, gnomAD 0.0009%). Disruption of this splice site has been observed in individual(s) with cone-rod dystrophy (PMID: 31394102). Algorithms developed to predict the effect of sequence changes on RNA splicing suggest that this variant may disrupt the consensus splice site. In summary, the currently available evidence indicates that the variant is pathogenic, but additional data are needed to prove that conclusively. Therefore, this variant has been classified as Likely Pathogenic.

Blueprint Genetics
Classification: Likely pathogenic for DRAM2-related disorders. Last evaluated: 2020-11-13. Review status: criteria provided, single submitter. Criteria: ACMG Guidelines, 2015. Collection method: clinical testing. Allele origin: germline. Affected: yes. Observed: 1 variant allele.

Literature cited by the submitters: PubMed 16199547 (cited by Labcorp Genetics (formerly Invitae), Labcorp); PubMed 25983245 (cited by Labcorp Genetics (formerly Invitae), Labcorp); PubMed 31394102 (cited by Labcorp Genetics (formerly Invitae), Labcorp).